The following is an entry in ClinVar:

ClinVar aggregate classification (germline): Conflicting classifications of pathogenicity. Review status: criteria provided, conflicting classifications (1 of 4 stars). 2 submissions from 2 submitters: Uncertain significance (1); Likely benign (1). Last evaluated 2024-10-01.

Conditions:
Inborn genetic diseases. Identifiers: MedGen C0950123, MeSH D030342.
Autosomal recessive mendelian susceptibility to mycobacterial diseases due to complete RORgamma receptor deficiency. Also called: Immunodeficiency 42. Identifiers: Orphanet 477857, MedGen C5567647, MONDO:0014710, OMIM 616622.

Allele frequency attached by ClinVar (database versions not stated): gnomAD exomes below 0.00001; TOPMed 0.00002; gnomAD 0.00004.
gnomAD v4.1: 13 of 1,610,406 alleles (0.00081%); highest among the groups gnomAD compares: Admixed American, 0.012%; no homozygotes.

Submissions (2):

Ambry Genetics
Classification: Likely benign for Inborn genetic diseases. Last evaluated: 2024-10-01. Review status: criteria provided, single submitter. Criteria: Ambry Variant Classification Scheme 2023. Collection method: clinical testing. Allele origin: germline.

Labcorp Genetics (formerly Invitae), Labcorp
Classification: Uncertain significance for Autosomal recessive mendelian susceptibility to mycobacterial diseases due to complete RORgamma receptor deficiency. Last evaluated: 2024-06-03. Review status: criteria provided, single submitter. Criteria: Invitae Variant Classification Sherloc (09022015). Collection method: clinical testing. Allele origin: germline.
Comment: This sequence change replaces threonine, which is neutral and polar, with alanine, which is neutral and non-polar, at codon 148 of the RORC protein (p.Thr148Ala). This variant is present in population databases (no rsID available, gnomAD 0.003%). This variant has not been reported in the literature in individuals affected with RORC-related conditions. Algorithms developed to predict the effect of missense changes on protein structure and function output the following: SIFT: "Not Available"; PolyPhen-2: "Benign"; Align-GVGD: "Not Available". The alanine amino acid residue is found in multiple mammalian species, which suggests that this missense change does not adversely affect protein function. In summary, the available evidence is currently insufficient to determine the role of this variant in disease. Therefore, it has been classified as a Variant of Uncertain Significance.

NM_005060.4(RORC):c.442A>G (p.Thr148Ala)

Gene: RORC (RAR related orphan receptor C; minus strand). Cytogenetic location: 1q21.3.
Variant type: single nucleotide variant.
Coding change: c.442A>G on transcript NM_005060.4 (MANE Select); coding-DNA position 442, A replaced by G.
Protein change: p.Thr148Ala; replaces threonine 148 with alanine.
Molecular consequence: missense variant.
Genome position (GRCh38, 1-based): chr1:151,815,282, T>C on the plus strand (A>G on the coding strand, the complement: RORC is on the minus strand). VCF-style: chr1-151815282-T-C. GRCh37 (hg19) VCF-style: chr1-151787758-T-C.
Other names: c.442A>G (NM_005060.3); c.379A>G, p.Thr127Ala (NM_001001523.2); short protein forms T127A, T148A.
Identifiers: ClinVar variation 2883223 (VCV002883223.4), dbSNP rs1042295993, ClinGen allele CA342017114.